The following is an entry in ClinVar:

NM_000368.5(TSC1):c.1622A>G (p.Asp541Gly)

Gene: TSC1 (TSC complex subunit 1; minus strand). Cytogenetic location: 9q34.13.
Variant type: single nucleotide variant.
Coding change: c.1622A>G on transcript NM_000368.5 (MANE Select); coding-DNA position 1622, A replaced by G.
Protein change: p.Asp541Gly; replaces aspartic acid 541 with glycine.
Molecular consequence: missense variant. On other transcripts: non-coding transcript variant (5).
Genome position (GRCh38, 1-based): chr9:132,905,956, T>C on the plus strand (A>G on the coding strand, the complement: TSC1 is on the minus strand). VCF-style: chr9-132905956-T-C. GRCh37 (hg19) VCF-style: chr9-135781343-T-C.
Other names: c.1622A>G, p.Asp541Gly (NM_001406601.1, NM_001406602.1, NM_001406605.1 and 7 more transcripts); c.1619A>G, p.Asp540Gly (NM_001406603.1, NM_001406604.1, NM_001406608.1 and 6 more transcripts); c.1256A>G, p.Asp419Gly (NM_001406620.1, NM_001406621.1, NM_001406622.1 and 2 more transcripts); c.1259A>G, p.Asp420Gly (NM_001406624.1, NM_001406614.1, NM_001406615.1 and 5 more transcripts); c.671A>G, p.Asp224Gly (NM_001406626.1); c.668A>G, p.Asp223Gly (NM_001406627.1, NM_001406628.1); c.569A>G, p.Asp190Gly (NM_001406629.1, NM_001406630.1); c.1469A>G, p.Asp490Gly (NM_001406610.1, NM_001162427.2); and 1 more; short protein forms D223G, D489G, D490G, D540G, D190G, D541G, D419G, D224G.
Identifiers: ClinVar variation 3329456 (VCV003329456.1).

ClinVar aggregate classification (germline): Uncertain significance (1 of 4 stars; one submission).

Conditions:
Hereditary cancer-predisposing syndrome. Also called: Neoplastic Syndromes, Hereditary; Tumor predisposition; Hereditary neoplastic syndrome; Hereditary Cancer Syndrome. Identifiers: Orphanet 140162, MedGen C0027672, MeSH D009386, MONDO:0015356.

Submission:

Ambry Genetics
Classification: Uncertain significance for Hereditary cancer-predisposing syndrome. Last evaluated: 2024-06-15. Review status: criteria provided, single submitter. Criteria: Ambry Variant Classification Scheme 2023. Collection method: clinical testing. Allele origin: germline.
Comment: The p.D541G variant (also known as c.1622A>G), located in coding exon 13 of the TSC1 gene, results from an A to G substitution at nucleotide position 1622. The aspartic acid at codon 541 is replaced by glycine, an amino acid with similar properties. This amino acid position is conserved. In addition, the in silico prediction for this alteration is inconclusive. Based on the available evidence, the clinical significance of this variant remains unclear.